The following is an entry in ClinVar:

NM_138694.4(PKHD1):c.10129G>A (p.Glu3377Lys)

Gene: PKHD1 (PKHD1 ciliary IPT domain containing fibrocystin/polyductin; minus strand). Cytogenetic location: 6p12.3.
Variant type: single nucleotide variant.
Coding change: c.10129G>A on transcript NM_138694.4 (MANE Select); coding-DNA position 10129, G replaced by A.
Protein change: p.Glu3377Lys; replaces glutamic acid 3377 with lysine.
Molecular consequence: missense variant.
Genome position (GRCh38, 1-based): chr6:51,744,412, C>T on the plus strand (G>A on the coding strand, the complement: PKHD1 is on the minus strand). VCF-style: chr6-51744412-C-T. GRCh37 (hg19) VCF-style: chr6-51609210-C-T.
Other names: c.10129G>A, p.Glu3377Lys (NM_170724.3); short protein forms E3377K.
Identifiers: ClinVar variation 1691299 (VCV001691299.4), dbSNP rs754382673, ClinGen allele CA3851250.

ClinVar aggregate classification (germline): Uncertain significance (1 of 4 stars; one submission).

Conditions:
Polycystic kidney disease 4 (PKD4). Also called: POLYCYSTIC KIDNEY DISEASE 4 WITH OR WITHOUT POLYCYSTIC LIVER DISEASE; POLYCYSTIC KIDNEY AND HEPATIC DISEASE 1; POLYCYSTIC KIDNEY DISEASE, INFANTILE, TYPE I; PKD3; Autosomal Recessive Polycystic Kidney Disease – PKHD1. Identifiers: MedGen C4540575, MONDO:0033004, OMIM 263200.

Allele frequency attached by ClinVar (database versions not stated): ExAC 0.00001; gnomAD exomes 0.00001.
gnomAD v4.1: 3 of 1,614,018 alleles (0.00019%); highest among the groups gnomAD compares: South Asian, 0.0033%; no homozygotes.

Submission:

Diagnostics Services (NGS), CSIR - Centre For Cellular And Molecular Biology
Classification: Uncertain significance for Polycystic kidney disease 4. Last evaluated: 2022-04-20. Review status: criteria provided, single submitter. Criteria: ACMG Guidelines, 2015. Collection method: clinical testing. Allele origin: unknown. Inheritance: Autosomal recessive inheritance. Affected: no. Observed: 1 variant allele, 1 heterozygote.
Comment: The c.10129G>A variant is not present in publicly available population databases like 1000 Genomes, EVS, ExAC and Indian Exome Database. The heterozygous state of the variant is present in gnomAD, at a very low frequency. The variant is not present in our in-house exome database. The variant was not previously reported to Clinvar, HGMD and/or OMIM databases, in any affected individuals. In-silico pathogenicity prediction programs like SIFT, PolyPhen-2, MutationTaster2, CADD, Varsome etc. predicted this variant to be likely deleterious, however these predictions were not confirmed by any published functional studies.